The following is an entry in ClinVar:

ClinVar aggregate classification (germline): Conflicting classifications of pathogenicity. Review status: criteria provided, conflicting classifications (1 of 4 stars). 2 submissions from 2 submitters: Uncertain significance (1); Likely benign (1). Last evaluated 2023-03-01.

Allele frequency attached by ClinVar (database versions not stated): ESP Exome Variant Server 0.00058; ExAC 0.00095; gnomAD 0.00099.
gnomAD v4.1: 1,813 of 1,611,796 alleles (0.11%); highest among the groups gnomAD compares: Non-Finnish European, 0.13%; 42 homozygotes.

Submissions (2):

CeGaT Center for Human Genetics Tuebingen
Classification: Likely benign. Last evaluated: 2023-03-01. Review status: criteria provided, single submitter. Criteria: CeGaT Center For Human Genetics Tuebingen Variant Classification Criteria Version 2. Collection method: clinical testing. Allele origin: germline. Affected: yes. Observed: 1 variant allele.
Comment: MUC5B: BP4, BS2

Ambry Genetics
Classification: Uncertain significance. Last evaluated: 2021-07-15. Review status: criteria provided, single submitter. Criteria: Ambry Variant Classification Scheme 2023. Collection method: clinical testing. Allele origin: germline.

NM_002458.3(MUC5B):c.12718C>T (p.Pro4240Ser)

Genes: MUC5B (mucin 5B, oligomeric mucus/gel-forming; plus strand), MUC5B-AS1 (MUC5B antisense RNA 1; minus strand). Cytogenetic location: 11p15.5.
Variant type: single nucleotide variant.
Coding change: c.12718C>T on transcript NM_002458.3 (MANE Select); coding-DNA position 12718, C replaced by T.
Protein change: p.Pro4240Ser; replaces proline 4240 with serine.
Molecular consequence: missense variant.
Genome position (GRCh38, 1-based): chr11:1,249,598, C>T. VCF-style: chr11-1249598-C-T. GRCh37 (hg19) VCF-style: chr11-1270828-C-T.
Other names: short protein forms P4240S.
Identifiers: ClinVar variation 2381151 (VCV002381151.26), dbSNP rs200770447, ClinGen allele CA5808065.